The following is an entry in ClinVar:

ClinVar aggregate classification (germline): Uncertain significance (1 of 4 stars; one submission).

Conditions:
Cowden syndrome (CS). Also called: Cowden's disease; Cowden's syndrome; Cowden disease. Identifiers: Orphanet 201, MedGen C0018553, MONDO:0016063. Disease mechanism: gain of function.

Submission:

Labcorp Genetics (formerly Invitae), Labcorp
Classification: Uncertain significance for Cowden syndrome. Last evaluated: 2019-05-05. Review status: criteria provided, single submitter. Criteria: Invitae Variant Classification Sherloc (09022015). Collection method: clinical testing. Allele origin: germline.
Comment: This sequence change replaces glutamine with lysine at codon 958 of the PIK3CA protein (p.Gln958Lys). The glutamine residue is highly conserved and there is a small physicochemical difference between glutamine and lysine. This variant is not present in population databases (ExAC no frequency). This variant has been observed in an individual affected with clinical features of PIK3CA-related overgrowth syndrome (PMID: 27631024). Algorithms developed to predict the effect of missense changes on protein structure and function (SIFT, PolyPhen-2, Align-GVGD) all suggest that this variant is likely to be tolerated, but these predictions have not been confirmed by published functional studies and their clinical significance is uncertain. In summary, the available evidence is currently insufficient to determine the role of this variant in disease. Therefore, it has been classified as a Variant of Uncertain Significance.

Literature cited by the submitters: PubMed 27631024.

NM_006218.4(PIK3CA):c.2872C>A (p.Gln958Lys)

Gene: PIK3CA (phosphatidylinositol-4,5-bisphosphate 3-kinase catalytic subunit alpha; plus strand). Cytogenetic location: 3q26.32.
Variant type: single nucleotide variant.
Coding change: c.2872C>A on transcript NM_006218.4 (MANE Select); coding-DNA position 2872, C replaced by A.
Protein change: p.Gln958Lys; replaces glutamine 958 with lysine.
Molecular consequence: missense variant.
Genome position (GRCh38, 1-based): chr3:179,230,312, C>A. VCF-style: chr3-179230312-C-A. GRCh37 (hg19) VCF-style: chr3-178948100-C-A.
Other names: c.2872C>A (LRG_310t1); short protein forms Q958K.
Identifiers: ClinVar variation 639426 (VCV000639426.11), dbSNP rs1576948107, ClinGen allele CA355281523.